The following is an entry in ClinVar:

ClinVar aggregate classification (germline): Uncertain significance. Review status: criteria provided, multiple submitters, no conflicts (2 of 4 stars). 2 submissions from 2 submitters: Uncertain significance (2). Last evaluated 2025-08-09.

Conditions:
Cardiovascular phenotype. Identifiers: MedGen CN230736.
Alagille syndrome due to a JAG1 point mutation. Also called: Alagille Syndrome 1; HEPATIC DUCTULAR HYPOPLASIA, SYNDROMATIC; JAG1-Related Alagille Syndrome. Identifiers: Orphanet 261619, Orphanet 52, MedGen C1956125, MONDO:0016862, OMIM 118450.

gnomAD v4.1: 1 of 1,614,088 alleles (0.000062%); highest among the groups gnomAD compares: Non-Finnish European, 0.000085%; no homozygotes.

Submissions (2):

Ambry Genetics
Classification: Uncertain significance for Cardiovascular phenotype. Last evaluated: 2025-08-09. Review status: criteria provided, single submitter. Criteria: Ambry Variant Classification Scheme 2023. Collection method: clinical testing. Allele origin: germline.
Comment: The p.N507S variant (also known as c.1520A>G), located in coding exon 12 of the JAG1 gene, results from an A to G substitution at nucleotide position 1520. The asparagine at codon 507 is replaced by serine, an amino acid with highly similar properties. This amino acid position is conserved. In addition, this alteration is predicted to be tolerated by in silico analysis. Based on the available evidence, the clinical significance of this variant remains unclear.

Labcorp Genetics (formerly Invitae), Labcorp
Classification: Uncertain significance for Alagille syndrome due to a JAG1 point mutation. Last evaluated: 2024-04-11. Review status: criteria provided, single submitter. Criteria: Invitae Variant Classification Sherloc (09022015). Collection method: clinical testing. Allele origin: germline.
Comment: This sequence change replaces asparagine, which is neutral and polar, with serine, which is neutral and polar, at codon 507 of the JAG1 protein (p.Asn507Ser). This variant is not present in population databases (gnomAD no frequency). This variant has not been reported in the literature in individuals affected with JAG1-related conditions. Advanced modeling of protein sequence and biophysical properties (such as structural, functional, and spatial information, amino acid conservation, physicochemical variation, residue mobility, and thermodynamic stability) performed at Invitae indicates that this missense variant is not expected to disrupt JAG1 protein function with a negative predictive value of 80%. In summary, the available evidence is currently insufficient to determine the role of this variant in disease. Therefore, it has been classified as a Variant of Uncertain Significance.

NM_000214.3(JAG1):c.1520A>G (p.Asn507Ser)

Gene: JAG1 (jagged canonical Notch ligand 1; minus strand). Cytogenetic location: 20p12.2.
Variant type: single nucleotide variant.
Coding change: c.1520A>G on transcript NM_000214.3 (MANE Select); coding-DNA position 1520, A replaced by G.
Protein change: p.Asn507Ser; replaces asparagine 507 with serine.
Molecular consequence: missense variant.
Genome position (GRCh38, 1-based): chr20:10,648,598, T>C on the plus strand (A>G on the coding strand, the complement: JAG1 is on the minus strand). VCF-style: chr20-10648598-T-C. GRCh37 (hg19) VCF-style: chr20-10629246-T-C.
Other names: c.1520A>G (NM_000214.2); short protein forms N507S.
Identifiers: ClinVar variation 3622609 (VCV003622609.3).